The following is an entry in ClinVar:

NM_004006.3(DMD):c.4686_4689del (p.Arg1562fs)

Gene: DMD (dystrophin; minus strand). Cytogenetic location: Xp21.1.
Variant type: Microsatellite.
Coding change: c.4686_4689del on transcript NM_004006.3 (MANE Select); coding-DNA positions 4686 to 4689, 4 bases deleted (AAAG; older notation c.4686_4689delAAAG).
Protein change: p.Arg1562fs; shifts the reading frame from arginine 1562.
Molecular consequence: frameshift variant.
Genome position (GRCh38, 1-based): chrX:32,380,666-32,380,669, CTTT deleted on the plus strand (AAAG on the coding strand, the reverse complement: DMD is on the minus strand); deleting any 4 consecutive bases within chrX:32,380,666-32,380,675 gives the same sequence; the c. name uses the placement nearest the transcript's 3' end. VCF-style (leftmost placement, unchanged base first): chrX-32380665-GCTTT-G. GRCh37 (hg19) VCF-style: chrX-32398782-GCTTT-G.
Other names: c.4662_4665del, p.Arg1554fs (NM_000109.4); c.4674_4677del, p.Arg1558fs (NM_004009.3); c.4317_4320del, p.Arg1439fs (NM_004010.3); c.663_666del, p.Arg221fs (NM_004011.4); c.654_657del, p.Arg218fs (NM_004012.4); short protein forms R1558fs, R218fs, R1554fs, R1562fs, R221fs, R1439fs.
Identifiers: ClinVar variation 803869 (VCV000803869.10), dbSNP rs1603632119, ClinGen allele CA915950968.

ClinVar aggregate classification (germline): Pathogenic. Review status: criteria provided, multiple submitters, no conflicts (2 of 4 stars). 3 submissions from 3 submitters: Pathogenic (3). Last evaluated 2025-02-15.

Conditions:
Duchenne muscular dystrophy (DMD). Also called: Duchenne Muscular Dystrophy (DMD); MUSCULAR DYSTROPHY, PSEUDOHYPERTROPHIC PROGRESSIVE, DUCHENNE TYPE. Identifiers: Orphanet 98896, MedGen C0013264, MONDO:0010679, OMIM 310200.

Submissions (3):

Labcorp Genetics (formerly Invitae), Labcorp
Classification: Pathogenic for Duchenne muscular dystrophy. Last evaluated: 2025-02-15. Review status: criteria provided, single submitter. Criteria: Invitae Variant Classification Sherloc (09022015). Collection method: clinical testing. Allele origin: germline.
Comment: This sequence change creates a premature translational stop signal (p.Arg1562Serfs*8) in the DMD gene. It is expected to result in an absent or disrupted protein product. Loss-of-function variants in DMD are known to be pathogenic (PMID: 16770791, 25007885). This variant is not present in population databases (gnomAD no frequency). This variant has not been reported in the literature in individuals affected with DMD-related conditions. For these reasons, this variant has been classified as Pathogenic.

3billion
Classification: Pathogenic for Duchenne muscular dystrophy. Last evaluated: 2023-07-29. Review status: criteria provided, single submitter. Criteria: ACMG Guidelines, 2015. Collection method: clinical testing. Allele origin: germline. Affected: yes.
Comment: The variant is not observed in the gnomAD v2.1.1 dataset. Predicted Consequence/Location: Frameshift: predicted to result in a loss or disruption of normal protein function through nonsense-mediated decay (NMD) or protein truncation. Multiple pathogenic variants are reported downstream of the variant. The variant has been reported to be associated with DMD related disorder (ClinVar ID: VCV000803869). Therefore, this variant is classified as Pathogenic according to the recommendation of ACMG/AMP guideline.

Mendelics
Classification: Pathogenic for Duchenne muscular dystrophy. Last evaluated: 2019-05-28. Review status: criteria provided, single submitter. Criteria: Mendelics Assertion Criteria 2017. Collection method: clinical testing. Allele origin: unknown.

Literature cited by the submitters: PubMed 16770791 (cited by Labcorp Genetics (formerly Invitae), Labcorp); PubMed 25007885 (cited by Labcorp Genetics (formerly Invitae), Labcorp).